The following is an entry in ClinVar:

NM_000540.3(RYR1):c.14478C>T (p.Thr4826=)

Gene: RYR1 (ryanodine receptor 1; plus strand). Cytogenetic location: 19q13.2.
Variant type: single nucleotide variant.
Coding change: c.14478C>T on transcript NM_000540.3 (MANE Select); coding-DNA position 14478, C replaced by T.
Protein change: p.Thr4826=; no amino-acid change (threonine 4826 retained).
Molecular consequence: synonymous variant.
Genome position (GRCh38, 1-based): chr19:38,580,095, C>T. VCF-style: chr19-38580095-C-T. GRCh37 (hg19) VCF-style: chr19-39070735-C-T.
Other names: c.14463C>T, p.Thr4821= (NM_001042723.2).
Identifiers: ClinVar variation 3069653 (VCV003069653.1), dbSNP rs2514749237, ClinGen allele CA081233.
Genomic context (GRCh38, chr19:38,580,095, plus strand): 5'-CAACTTCTTCTTTGCTGCCCATCTCCTGGACATCGCCATGGGGGTCAAGACGCTGCGCAC[C>T]ATCCTGTCCTCTGTCACCCACAATGGGAAACAGGTGTGGGGAGGACCTGGCTGTGGGGCG-3'
Protein context (NP_000531.2, residues 4816-4836): DIAMGVKTLR[Thr4826=]ILSSVTHNGK

ClinVar aggregate classification (germline): Likely benign (1 of 4 stars; one submission).

Conditions:
Malignant hyperthermia, susceptibility to, 1 (MHS1). Also called: RYR1-Related Malignant Hyperthermia Susceptibility; Anesthesia related hyperthermia; Malignant hyperpyrexia; Fulminating hyperpyrexia; Pharmacogenic myopathy; Malignant hyperthermia suceptibility 1. Identifiers: Orphanet 423, MedGen C2930980, MONDO:0007783, OMIM 145600.

Submission:

All of Us Research Program, National Institutes of Health
Classification: Likely benign for Malignant hyperthermia, susceptibility to, 1. Last evaluated: 2023-02-24. Review status: criteria provided, single submitter. Criteria: ACMG Guidelines, 2015. Collection method: clinical testing. Allele origin: germline. Inheritance: Autosomal dominant inheritance. Observed: 1 variant allele, 1 heterozygote.
Comment: This study involves interpretation of variants in research participants for the purpose of population health screening. Participant phenotype was not available at the time of variant classification. Additional details can be found in publication PMID: 35346344, PMCID: PMC8962531